The following is an entry in ClinVar:

ClinVar aggregate classification (germline): Uncertain significance (1 of 4 stars; one submission).

Conditions:
CPT1B-related disorder. Also called: CPT1B-related condition.

Submission:

PreventionGenetics, part of Exact Sciences
Classification: Uncertain significance for CPT1B-related condition. Last evaluated: 2023-03-09. Review status: criteria provided, single submitter. Criteria: ACMG Guidelines, 2015. Collection method: clinical testing. Allele origin: germline.
Comment: The CPT1B c.2071delC variant is predicted to result in a frameshift and premature protein termination (p.Gln691Asnfs*25). To our knowledge, this variant has not been reported in the literature or in a large population database, indicating this variant is rare. At this time, the clinical significance of this variant is uncertain due to the absence of conclusive functional and genetic evidence.

NM_152246.3(CPT1B):c.2071del (p.Gln691fs)

Genes: CHKB-CPT1B (CHKB-CPT1B readthrough (NMD candidate); minus strand), CPT1B (carnitine palmitoyltransferase 1B; minus strand). Cytogenetic location: 22q13.33.
Variant type: Deletion.
Coding change: c.2071del on transcript NM_152246.3 (MANE Select); coding-DNA position 2071, one base deleted (C; older notation c.2071delC).
Protein change: p.Gln691fs; shifts the reading frame from glutamine 691.
Molecular consequence: frameshift variant. On other transcripts: non-coding transcript variant (1).
Genome position (GRCh38, 1-based): chr22:50,570,364, G deleted on the plus strand (C on the coding strand, the reverse complement: CPT1B is on the minus strand); the first of 5 consecutive G bases (chr22:50,570,364-50,570,368); deleting any one gives the same sequence. VCF-style (leftmost placement, unchanged base first): chr22-50570363-TG-T. GRCh37 (hg19) VCF-style: chr22-51008792-TG-T.
Other names: c.1969del, p.Gln657fs (NM_001145134.2); c.2071del, p.Gln691fs (NM_001145135.2, NM_001145137.2, NM_004377.4 and 1 more transcripts); short protein forms Q657fs, Q691fs.
Identifiers: ClinVar variation 2633415 (VCV002633415.1), dbSNP rs895767490, ClinGen allele CA325531041.